The following is an entry in ClinVar:

NM_005529.7(HSPG2):c.4033T>G (p.Ser1345Ala)

Gene: HSPG2 (heparan sulfate proteoglycan 2; minus strand). Cytogenetic location: 1p36.12.
Variant type: single nucleotide variant.
Coding change: c.4033T>G on transcript NM_005529.7 (MANE Select); coding-DNA position 4033, T replaced by G.
Protein change: p.Ser1345Ala; replaces serine 1345 with alanine.
Molecular consequence: missense variant.
Genome position (GRCh38, 1-based): chr1:21,872,374, A>C on the plus strand (T>G on the coding strand, the complement: HSPG2 is on the minus strand). VCF-style: chr1-21872374-A-C. GRCh37 (hg19) VCF-style: chr1-22198867-A-C.
Other names: c.4036T>G, p.Ser1346Ala (NM_001291860.2); short protein forms S1345A, S1346A.
Identifiers: ClinVar variation 2638461 (VCV002638461.24), dbSNP rs773611162, ClinGen allele CA672375.
Genomic context (GRCh38, chr1:21,872,374, plus strand): 5'-TGTTTCGCTGTGGGTTCACCAGGGCAAAGCCTTGGAAGTCCCCAGGGGCAAAGTGGGTGG[A>C]GATCTGGCAGGGGAAAAAGGAGGGGGCGTCAGCCTGAGCACCGGGGTGCCTTGGTGGGGG-3'
Protein context (NP_005520.4, residues 1335-1355): ASSAYTRHLI[Ser1345Ala]THFAPGDFQG

ClinVar aggregate classification (germline): Likely benign (1 of 4 stars; one submission).

Allele frequency attached by ClinVar (database versions not stated): gnomAD exomes 0.00002; TOPMed 0.00002; gnomAD 0.00003.
gnomAD v4.1: 29 of 1,567,364 alleles (0.0019%); highest among the groups gnomAD compares: Non-Finnish European, 0.0025%; no homozygotes.

Submission:

CeGaT Center for Human Genetics Tuebingen
Classification: Likely benign. Last evaluated: 2023-05-01. Review status: criteria provided, single submitter. Criteria: CeGaT Center For Human Genetics Tuebingen Variant Classification Criteria Version 2. Collection method: clinical testing. Allele origin: germline. Affected: yes. Observed: 1 variant allele.
Comment: HSPG2: BP4